The following is an entry in ClinVar:

ClinVar aggregate classification (germline): Uncertain significance (1 of 4 stars; one submission).

Allele frequency attached by ClinVar (database versions not stated): gnomAD 0.00001; TOPMed 0.00001; gnomAD exomes 0.00003.
gnomAD v4.1: 41 of 1,613,448 alleles (0.0025%); highest among the groups gnomAD compares: Non-Finnish European, 0.0034%; no homozygotes.

Submission:

Laboratory for Molecular Medicine, Mass General Brigham Personalized Medicine
Classification: Uncertain significance. Last evaluated: 2012-06-28. Review status: criteria provided, single submitter. Criteria: LMM Criteria. Collection method: clinical testing. Allele origin: germline. Observed: 1 variant allele.
Comment: Computation al predictions on the impact of this variant to the normal function of the prote in are mixed (AlignGVGD = benign, SIFT = pathogenic), and the accuracy of these tools is unknown. Additional information is needed to fully assess the clinical significance of the Phe7636Cys variant.

NM_001267550.2(TTN):c.26639T>G (p.Phe8880Cys)

Gene: TTN (titin; minus strand). Cytogenetic location: 2q31.2.
Variant type: single nucleotide variant.
Coding change: c.26639T>G on transcript NM_001267550.2 (MANE Select); coding-DNA position 26639, T replaced by G.
Protein change: p.Phe8880Cys; replaces phenylalanine 8880 with cysteine.
Molecular consequence: missense variant. On other transcripts: intron variant (3).
Genome position (GRCh38, 1-based): chr2:178,714,019, A>C on the plus strand (T>G on the coding strand, the complement: TTN is on the minus strand). VCF-style: chr2-178714019-A-C. GRCh37 (hg19) VCF-style: chr2-179578746-A-C.
Other names: c.22907T>G, p.Phe7636Cys (NM_133378.4); c.25688T>G, p.Phe8563Cys (NM_001256850.1); c.13282+24063T>G (NM_003319.4); c.13858+24063T>G (NM_133437.4); c.13657+24063T>G (NM_133432.3); short protein forms F8880C, F7636C, F8563C.
Identifiers: ClinVar variation 46783 (VCV000046783.5), dbSNP rs397517518, ClinGen allele CA139184.